The following is an entry in ClinVar:

NM_000153.4(GALC):c.1913G>T (p.Gly638Val)

Gene: GALC (galactosylceramidase; minus strand). Cytogenetic location: 14q31.3.
Variant type: single nucleotide variant.
Coding change: c.1913G>T on transcript NM_000153.4 (MANE Select); coding-DNA position 1913, G replaced by T.
Protein change: p.Gly638Val; replaces glycine 638 with valine.
Molecular consequence: missense variant.
Genome position (GRCh38, 1-based): chr14:87,934,877, C>A on the plus strand (G>T on the coding strand, the complement: GALC is on the minus strand). VCF-style: chr14-87934877-C-A. GRCh37 (hg19) VCF-style: chr14-88401221-C-A.
Other names: c.1844G>T, p.Gly615Val (NM_001201401.2); c.1835G>T, p.Gly612Val (NM_001201402.2); short protein forms G612V, G615V, G638V.
Identifiers: ClinVar variation 1324447 (VCV001324447.12), dbSNP rs1162671660, ClinGen allele CA390745381.
Genomic context (GRCh38, chr14:87,934,877, plus strand): 5'-AAATTCACAGGGATGTCTGTCCACAGAGACTTGTCATTCAGCATGCCAGAGGTGAAATGA[C>A]CCTAGAGTAGAAAGAAACACATTCCTTGAAACCATATGAAAATGGTCCTCTGAAGTCTGT-3'
Protein context (NP_000144.2, residues 628-648): KWYTLTLTIK[Gly638Val]HFTSGMLNDK

ClinVar aggregate classification (germline): Likely pathogenic. Review status: criteria provided, multiple submitters, no conflicts (2 of 4 stars). 3 submissions from 3 submitters: Likely pathogenic (3). Last evaluated 2024-06-12.

Conditions:
Galactosylceramide beta-galactosidase deficiency. Also called: Leukodystrophy, Globoid Cell; Krabbe Disease; GALACTOCEREBROSIDASE DEFICIENCY; GALC DEFICIENCY; GLOBOID CELL LEUKOENCEPHALOPATHY. Identifiers: Orphanet 487, MedGen C0023521, MONDO:0009499, OMIM 245200.

Allele frequency attached by ClinVar (database versions not stated): gnomAD exomes below 0.00001; gnomAD 0.00001; TOPMed 0.00002.
gnomAD v4.1: 2 of 1,602,702 alleles (0.00012%); highest among the groups gnomAD compares: Admixed American, 0.0017%; no homozygotes.

Submissions (3):

Fulgent Genetics
Classification: Likely pathogenic for Galactosylceramide beta-galactosidase deficiency. Last evaluated: 2024-06-12. Review status: criteria provided, single submitter. Criteria: ACMG Guidelines, 2015. Collection method: clinical testing. Allele origin: germline.

Labcorp Genetics (formerly Invitae), Labcorp
Classification: Likely pathogenic for Galactosylceramide beta-galactosidase deficiency. Last evaluated: 2023-11-05. Review status: criteria provided, single submitter. Criteria: Invitae Variant Classification Sherloc (09022015). Collection method: clinical testing. Allele origin: germline.
Comment: This sequence change replaces glycine, which is neutral and non-polar, with valine, which is neutral and non-polar, at codon 638 of the GALC protein (p.Gly638Val). This variant is present in population databases (no rsID available, gnomAD 0.004%). This missense change has been observed in individual(s) with Krabbe disease (PMID: 22115770). This variant is also known as c.1865G> T, p.G622V. ClinVar contains an entry for this variant (Variation ID: 1324447). An algorithm developed to predict the effect of missense changes on protein structure and function (PolyPhen-2) suggests that this variant is likely to be disruptive. Experimental studies have shown that this missense change affects GALC function (PMID: 27638593). This variant disrupts the p.Gly638 amino acid residue in GALC. Other variant(s) that disrupt this residue have been observed in individuals with GALC-related conditions (PMID: 23197103), which suggests that this may be a clinically significant amino acid residue. In summary, the currently available evidence indicates that the variant is pathogenic, but additional data are needed to prove that conclusively. Therefore, this variant has been classified as Likely Pathogenic.

Revvity Omics, Revvity
Classification: Likely pathogenic. Last evaluated: 2021-11-05. Review status: criteria provided, single submitter. Criteria: ACMG Guidelines, 2015. Collection method: clinical testing. Allele origin: germline.

Literature cited by the submitters: PubMed 22115770 (cited by Labcorp Genetics (formerly Invitae), Labcorp); PubMed 27638593 (cited by Labcorp Genetics (formerly Invitae), Labcorp); PubMed 23197103 (cited by Labcorp Genetics (formerly Invitae), Labcorp).